The following is an entry in ClinVar:

NM_053025.4(MYLK):c.2620A>G (p.Lys874Glu)

Gene: MYLK (myosin light chain kinase; minus strand). Cytogenetic location: 3q21.1.
Variant type: single nucleotide variant.
Coding change: c.2620A>G on transcript NM_053025.4 (MANE Select); coding-DNA position 2620, A replaced by G.
Protein change: p.Lys874Glu; replaces lysine 874 with glutamic acid.
Molecular consequence: missense variant.
Genome position (GRCh38, 1-based): chr3:123,700,848, T>C on the plus strand (A>G on the coding strand, the complement: MYLK is on the minus strand). VCF-style: chr3-123700848-T-C. GRCh37 (hg19) VCF-style: chr3-123419695-T-C.
Other names: c.2092A>G, p.Lys698Glu (NM_001321309.2); c.2413A>G, p.Lys805Glu (NM_053026.4, NM_053028.4); c.2620A>G, p.Lys874Glu (NM_053027.4); short protein forms K805E, K698E, K874E.
Identifiers: ClinVar variation 2710171 (VCV002710171.3), dbSNP rs2474187417, ClinGen allele CA354232084.

ClinVar aggregate classification (germline): Uncertain significance (1 of 4 stars; one submission).

Conditions:
Aortic aneurysm, familial thoracic 7 (AAT7). Also called: AORTIC DISSECTION, FAMILIAL, WITH OR WITHOUT AORTIC ANEURYSM. Identifiers: MedGen C3151077, MONDO:0013418, OMIM 613780.

Submission:

Labcorp Genetics (formerly Invitae), Labcorp
Classification: Uncertain significance for Aortic aneurysm, familial thoracic 7. Last evaluated: 2024-01-18. Review status: criteria provided, single submitter. Criteria: Invitae Variant Classification Sherloc (09022015). Collection method: clinical testing. Allele origin: germline.
Comment: This sequence change replaces lysine, which is basic and polar, with glutamic acid, which is acidic and polar, at codon 874 of the MYLK protein (p.Lys874Glu). This variant is not present in population databases (gnomAD no frequency). This variant has not been reported in the literature in individuals affected with MYLK-related conditions. Advanced modeling of protein sequence and biophysical properties (such as structural, functional, and spatial information, amino acid conservation, physicochemical variation, residue mobility, and thermodynamic stability) performed at Invitae indicates that this missense variant is not expected to disrupt MYLK protein function with a negative predictive value of 80%. In summary, the available evidence is currently insufficient to determine the role of this variant in disease. Therefore, it has been classified as a Variant of Uncertain Significance.